The following is an entry in ClinVar:

ClinVar aggregate classification (germline): Uncertain significance (1 of 4 stars; one submission).

Submission:

GeneDx
Classification: Uncertain significance. Last evaluated: 2025-08-07. Review status: criteria provided, single submitter. Criteria: GeneDx Variant Classification Process June 2021. Collection method: clinical testing. Allele origin: germline. Affected: yes.
Comment: Not observed at significant frequency in large population cohorts (gnomAD); In silico analysis supports that this missense variant has a deleterious effect on protein structure/function; Has not been previously published as pathogenic or benign to our knowledge

NM_003024.3(ITSN1):c.4190C>T (p.Pro1397Leu)

Gene: ITSN1 (intersectin 1; plus strand). Cytogenetic location: 21q22.11.
Variant type: single nucleotide variant.
Coding change: c.4190C>T on transcript NM_003024.3 (MANE Select); coding-DNA position 4190, C replaced by T.
Protein change: p.Pro1397Leu; replaces proline 1397 with leucine.
Molecular consequence: missense variant.
Genome position (GRCh38, 1-based): chr21:33,875,370, C>T. VCF-style: chr21-33875370-C-T. GRCh37 (hg19) VCF-style: chr21-35247674-C-T.
Other names: c.4175C>T, p.Pro1392Leu (NM_001331010.2); short protein forms P1392L, P1397L.
Identifiers: ClinVar variation 4755886 (VCV004755886.1).
Genomic context (GRCh38, chr21:33,875,370, plus strand): 5'-CACATTGCCTAAAAGGAGGTGGTTGTTTTTATTCTCCTGTGTAGATCCTGGAAAACACCC[C>T]TGAAAACCACCCGGACCACAGCCACTTGAAGCACGCCCTGGAGAAGGCGGAAGAGCTCTG-3'
Protein context (NP_003015.2, residues 1387-1407): LIIKNILENT[Pro1397Leu]ENHPDHSHLK